The following is an entry in ClinVar:

ClinVar aggregate classification (germline): Likely benign. Review status: criteria provided, multiple submitters, no conflicts (2 of 4 stars). 2 submissions from 2 submitters: Likely benign (2). Last evaluated 2025-05-06.

Conditions:
ADGRV1-related disorder. Also called: ADGRV1-related condition; ADGRV1-related disorders.

Allele frequency attached by ClinVar (database versions not stated): gnomAD 0.00001; TOPMed 0.00002.
gnomAD v4.1: 160 of 1,613,570 alleles (0.0099%); highest among the groups gnomAD compares: Non-Finnish European, 0.014%; no homozygotes.

Submissions (2):

PreventionGenetics, part of Exact Sciences
Classification: Likely benign for ADGRV1-related condition. Last evaluated: 2025-05-06. Review status: criteria provided, single submitter. Criteria: ACMG Guidelines, 2015. Collection method: clinical testing. Allele origin: germline.
Comment: This variant is classified as likely benign based on ACMG/AMP sequence variant interpretation guidelines (Richards et al. 2015 PMID: 25741868, with internal and published modifications).

Labcorp Genetics (formerly Invitae), Labcorp
Classification: Likely benign. Last evaluated: 2024-11-19. Review status: criteria provided, single submitter. Criteria: Invitae Variant Classification Sherloc (09022015). Collection method: clinical testing. Allele origin: germline.

NM_032119.4(ADGRV1):c.17895C>T (p.Leu5965=)

Gene: ADGRV1 (adhesion G protein-coupled receptor V1; plus strand). Cytogenetic location: 5q14.3.
Variant type: single nucleotide variant.
Coding change: c.17895C>T on transcript NM_032119.4 (MANE Select); coding-DNA position 17895, C replaced by T.
Protein change: p.Leu5965=; no amino-acid change (leucine 5965 retained).
Molecular consequence: synonymous variant. On other transcripts: non-coding transcript variant (1).
Genome position (GRCh38, 1-based): chr5:90,965,453, C>T. VCF-style: chr5-90965453-C-T. GRCh37 (hg19) VCF-style: chr5-90261270-C-T.
Other names: c.17895C>T (NM_032119.3).
Identifiers: ClinVar variation 2956249 (VCV002956249.4), dbSNP rs775411313, ClinGen allele CA122910299.
Genomic context (GRCh38, chr5:90,965,453, plus strand): 5'-TAGAAGTATCTGTTTCTTACAGATTCTGTTTCTGGCGTCTGCATACGCAAGTCCCCAACT[C>T]GCTGAGGAGAGCTGTTCAGCTATGGCTGCTGTCACACATTACCTGTATCTTTGCCAGTTT-3'
Protein context (NP_115495.3, residues 5955-5975): FLASAYASPQ[Leu5965=]AEESCSAMAA